The following is an entry in ClinVar:

NM_031483.7(ITCH):c.2044A>G (p.Asn682Asp)

Gene: ITCH (itchy E3 ubiquitin protein ligase; plus strand). Cytogenetic location: 20q11.22.
Variant type: single nucleotide variant.
Coding change: c.2044A>G on transcript NM_031483.7 (MANE Select); coding-DNA position 2044, A replaced by G.
Protein change: p.Asn682Asp; replaces asparagine 682 with aspartic acid.
Molecular consequence: missense variant.
Genome position (GRCh38, 1-based): chr20:34,481,157, A>G. VCF-style: chr20-34481157-A-G. GRCh37 (hg19) VCF-style: chr20-33068962-A-G.
Other names: c.2167A>G, p.Asn723Asp (NM_001257137.3, NM_001324197.2); c.1714A>G, p.Asn572Asp (NM_001257138.3); c.2044A>G, p.Asn682Asp (NM_001324198.2); short protein forms N572D, N723D, N682D.
Identifiers: ClinVar variation 2793510 (VCV002793510.1), dbSNP rs760143427, ClinGen allele CA9821880.

ClinVar aggregate classification (germline): Uncertain significance (1 of 4 stars; one submission).

Conditions:
Syndromic multisystem autoimmune disease due to ITCH deficiency. Also called: AUTOIMMUNE DISEASE, MULTISYSTEM, WITH FACIAL DYSMORPHISM. Identifiers: Orphanet 228426, MedGen C3150649, MONDO:0013245, OMIM 613385.

Allele frequency attached by ClinVar (database versions not stated): TOPMed below 0.00001; gnomAD 0.00001; ExAC 0.00002.
gnomAD v4.1: 6 of 1,613,256 alleles (0.00037%); highest among the groups gnomAD compares: African/African-American, 0.0013%; no homozygotes.

Submission:

Labcorp Genetics (formerly Invitae), Labcorp
Classification: Uncertain significance for Syndromic multisystem autoimmune disease due to ITCH deficiency. Last evaluated: 2023-03-29. Review status: criteria provided, single submitter. Criteria: Invitae Variant Classification Sherloc (09022015). Collection method: clinical testing. Allele origin: germline.
Comment: In summary, the available evidence is currently insufficient to determine the role of this variant in disease. Therefore, it has been classified as a Variant of Uncertain Significance. An algorithm developed to predict the effect of missense changes on protein structure and function (PolyPhen-2) suggests that this variant¬† is likely to be tolerated. This variant has not been reported in the literature in individuals affected with ITCH-related conditions. This variant is present in population databases (rs760143427, gnomAD 0.007%). This sequence change replaces asparagine, which is neutral and polar, with aspartic acid, which is acidic and polar, at codon 682 of the ITCH protein (p.Asn682Asp).